The following is an entry in ClinVar:

ClinVar aggregate classification (germline): Uncertain significance (1 of 4 stars; one submission).

Conditions:
Developmental and epileptic encephalopathy, 37 (DEE37). Also called: Epileptic encephalopathy, early infantile, 37. Identifiers: MedGen C4310770, MONDO:0014859, OMIM 616981.

Submission:

Labcorp Genetics (formerly Invitae), Labcorp
Classification: Uncertain significance for Developmental and epileptic encephalopathy, 37. Last evaluated: 2022-02-03. Review status: criteria provided, single submitter. Criteria: Invitae Variant Classification Sherloc (09022015). Collection method: clinical testing. Allele origin: germline.
Comment: This variant is not present in population databases (gnomAD no frequency). This variant has not been reported in the literature in individuals affected with FRRS1L-related conditions. Algorithms developed to predict the effect of missense changes on protein structure and function are either unavailable or do not agree on the potential impact of this missense change (SIFT: "Deleterious"; PolyPhen-2: "Benign"; Align-GVGD: "Class C35"). In summary, the available evidence is currently insufficient to determine the role of this variant in disease. Therefore, it has been classified as a Variant of Uncertain Significance. This sequence change replaces isoleucine, which is neutral and non-polar, with threonine, which is neutral and polar, at codon 179 of the FRRS1L protein (p.Ile179Thr).

NM_014334.4(FRRS1L):c.383T>C (p.Ile128Thr)

Gene: FRRS1L (ferric chelate reductase 1 like; minus strand). Cytogenetic location: 9q31.3.
Variant type: single nucleotide variant.
Coding change: c.383T>C on transcript NM_014334.4 (MANE Select); coding-DNA position 383, T replaced by C.
Protein change: p.Ile128Thr; replaces isoleucine 128 with threonine.
Molecular consequence: missense variant.
Genome position (GRCh38, 1-based): chr9:109,147,130, A>G on the plus strand (T>C on the coding strand, the complement: FRRS1L is on the minus strand). VCF-style: chr9-109147130-A-G. GRCh37 (hg19) VCF-style: chr9-111909410-A-G.
Other names: short protein forms I128T.
Identifiers: ClinVar variation 2092480 (VCV002092480.4), dbSNP rs2538501280, ClinGen allele CA374427013.